The following is an entry in ClinVar:

ClinVar aggregate classification (germline): Uncertain significance (1 of 4 stars; one submission).

Conditions:
3-hydroxy-3-methylglutaryl-CoA synthase deficiency (HMGCS2D). Also called: HMG-CoA synthase-2 deficiency; HMGCS2 DEFICIENCY; MITOCHONDRIAL HMG-CoA SYNTHASE DEFICIENCY. Identifiers: Orphanet 35701, MedGen C2751532, MONDO:0011614, OMIM 605911.

Allele frequency attached by ClinVar (database versions not stated): gnomAD exomes below 0.00001.
gnomAD v4.1: 1 of 1,614,160 alleles (0.000062%); highest among the groups gnomAD compares: Non-Finnish European, 0.000085%; no homozygotes.

Submission:

Labcorp Genetics (formerly Invitae), Labcorp
Classification: Uncertain significance for 3-hydroxy-3-methylglutaryl-CoA synthase deficiency. Last evaluated: 2025-12-01. Review status: criteria provided, single submitter. Criteria: Invitae Variant Classification Sherloc (09022015). Collection method: clinical testing. Allele origin: germline.
Comment: This sequence change replaces glutamine, which is neutral and polar, with arginine, which is basic and polar, at codon 19 of the HMGCS2 protein (p.Gln19Arg). This variant is not present in population databases (gnomAD no frequency). This variant has not been reported in the literature in individuals affected with HMGCS2-related conditions. ClinVar contains an entry for this variant (Variation ID: 1430200). An algorithm developed to predict the effect of missense changes on protein structure and function outputs the following: PolyPhen-2: "Benign". The arginine amino acid residue is found in multiple mammalian species, which suggests that this missense change does not adversely affect protein function. In summary, the available evidence is currently insufficient to determine the role of this variant in disease. Therefore, it has been classified as a Variant of Uncertain Significance.

NM_005518.4(HMGCS2):c.56A>G (p.Gln19Arg)

Gene: HMGCS2 (3-hydroxy-3-methylglutaryl-CoA synthase 2; minus strand). Cytogenetic location: 1p12.
Variant type: single nucleotide variant.
Coding change: c.56A>G on transcript NM_005518.4 (MANE Select); coding-DNA position 56, A replaced by G.
Protein change: p.Gln19Arg; replaces glutamine 19 with arginine.
Molecular consequence: missense variant.
Genome position (GRCh38, 1-based): chr1:119,768,789, T>C on the plus strand (A>G on the coding strand, the complement: HMGCS2 is on the minus strand). VCF-style: chr1-119768789-T-C. GRCh37 (hg19) VCF-style: chr1-120311412-T-C.
Other names: c.56A>G, p.Gln19Arg (NM_001166107.1); short protein forms Q19R.
Identifiers: ClinVar variation 1430200 (VCV001430200.8), dbSNP rs2101283600, ClinGen allele CA341869634.
Genomic context (GRCh38, chr1:119,768,789, plus strand): 5'-AAAGTGACTCACCTTTGGTGGGCTACTGGGAGCAGGCGAGCAGGTGTGAGGGAGGTTTCC[T>C]GCACCGCTCTTGTCAGTTGCAGAATGCGCTTCACTGGAGTCAACAGACGCTGCATCTCCA-3'
Protein context (NP_005509.1, residues 9-29): KRILQLTRAV[Gln19Arg]ETSLTPARLL